The following is an entry in ClinVar:

NM_153212.3(GJB4):c.668G>A (p.Arg223Gln)

Gene: GJB4 (gap junction protein beta 4; plus strand). Cytogenetic location: 1p34.3.
Variant type: single nucleotide variant.
Coding change: c.668G>A on transcript NM_153212.3 (MANE Select); coding-DNA position 668, G replaced by A.
Protein change: p.Arg223Gln; replaces arginine 223 with glutamine.
Molecular consequence: missense variant.
Genome position (GRCh38, 1-based): chr1:34,761,922, G>A. VCF-style: chr1-34761922-G-A. GRCh37 (hg19) VCF-style: chr1-35227523-G-A.
Other names: short protein forms R223Q.
Identifiers: ClinVar variation 4851329 (VCV004851329.1).

ClinVar aggregate classification (germline): Likely benign (1 of 4 stars; one submission).

Conditions:
Erythrokeratodermia variabilis et progressiva 2 (EKVP2). Identifiers: MedGen C4479618, MONDO:0033012, OMIM 617524.

gnomAD v4.1: 21 of 1,614,040 alleles (0.0013%); highest among the groups gnomAD compares: South Asian, 0.0033%; no homozygotes.

Submission:

Centre for Medical Genetics,  Mumbai
Classification: Likely benign for Erythrokeratodermia variabilis et progressiva 2. Last evaluated: 2026-04-07. Review status: criteria provided, single submitter. Criteria: ACMG Guidelines, 2015. Collection method: provider interpretation. Allele origin: germline. Inheritance: Autosomal dominant inheritance. Affected: no.
Comment: The variant satisfies PM2 criteria; Extremely low frequency in gnomAD population databases. However, the variant satisfies BS2 criteria.

Literature cited by the submitters: PubMed 11017804.